The following is an entry in ClinVar:

ClinVar aggregate classification (germline): Likely pathogenic. Review status: criteria provided, single submitter (1 of 4 stars). 2 submissions from 1 submitter: Likely pathogenic (2). Last evaluated 2020-12-14.

Conditions:
Microcephaly. Also called: Microcephaly (disease). Identifiers: MedGen C4551563, MONDO:0001149, HP:0000252.
Sandestig-stefanova syndrome. Identifiers: MedGen C5394118, MONDO:0032926, OMIM 618804.

Submissions (2):

Equipe Genetique des Anomalies du Developpement, Université de Bourgogne
Classification: Likely pathogenic for Sandestig-stefanova syndrome. Last evaluated: 2020-12-14. Review status: criteria provided, single submitter. Criteria: ACMG Guidelines, 2015. Collection method: clinical testing. Allele origin: maternal. Inheritance: Autosomal recessive inheritance. Affected: yes.
Comment: This variant was observed in compound heterozygosity with variant c.1851_1852delinsG

Equipe Genetique des Anomalies du Developpement, Université de Bourgogne
Classification: Likely pathogenic for Microcephaly. Review status: criteria provided, single submitter. Criteria: ACMG Guidelines, 2015. Collection method: clinical testing. Allele origin: maternal. Affected: yes.

Literature cited by the submitters: PubMed 32275884.

NM_015354.3(NUP188):c.3515+1G>A

Gene: NUP188 (nucleoporin 188; plus strand). Cytogenetic location: 9q34.11.
Variant type: single nucleotide variant.
Coding change: c.3515+1G>A on transcript NM_015354.3 (MANE Select); the canonical splice donor site of the intron after coding-DNA position 3515, G replaced by A.
Molecular consequence: splice donor variant.
Genome position (GRCh38, 1-based): chr9:128,998,624, G>A. VCF-style: chr9-128998624-G-A. GRCh37 (hg19) VCF-style: chr9-131760903-G-A.
Identifiers: ClinVar variation 1172616 (VCV001172616.2), dbSNP rs2131186551, ClinGen allele CA375112121.
Genomic context (GRCh38, chr9:128,998,624, plus strand): 5'-CCTTCGCCTTGGCTCCATGAAGTGCACTCTGCTGCTTATCCTCCTCCGGCAGTGGAAGAG[G>A]TGAGGCTGTGCCAGGAGAGGCAAGCCCGAGGCCAGAGCCTTCTTGTCAGTGCCTGCTTGC-3'